The following is an entry in ClinVar:

NM_002582.4(PARN):c.1850A>T (p.Glu617Val)

Gene: PARN (poly(A)-specific ribonuclease; minus strand). Cytogenetic location: 16p13.12.
Variant type: single nucleotide variant.
Coding change: c.1850A>T on transcript NM_002582.4 (MANE Select); coding-DNA position 1850, A replaced by T.
Protein change: p.Glu617Val; replaces glutamic acid 617 with valine.
Molecular consequence: missense variant.
Genome position (GRCh38, 1-based): chr16:14,446,902, T>A on the plus strand (A>T on the coding strand, the complement: PARN is on the minus strand). VCF-style: chr16-14446902-T-A. GRCh37 (hg19) VCF-style: chr16-14540759-T-A.
Other names: c.1667A>T, p.Glu556Val (NM_001134477.3); c.1712A>T, p.Glu571Val (NM_001242992.2); short protein forms E556V, E571V, E617V.
Identifiers: ClinVar variation 1057950 (VCV001057950.9), dbSNP rs1340012887, ClinGen allele CA395184228.

ClinVar aggregate classification (germline): Uncertain significance (1 of 4 stars; one submission).

Conditions:
Dyskeratosis congenita, autosomal recessive 6 (DKCB6). Identifiers: MedGen C4225356, MONDO:0014600, OMIM 616353.
Pulmonary fibrosis and/or bone marrow failure, Telomere-related, 4. Also called: PULMONARY FIBROSIS AND/OR BONE MARROW FAILURE SYNDROME, TELOMERE-RELATED, 4. Identifiers: Orphanet 2032, MedGen C4225347, MONDO:0014612, OMIM 616371.

gnomAD v4.1: 1 of 1,612,558 alleles (0.000062%); highest among the groups gnomAD compares: Admixed American, 0.0017%; no homozygotes.

Submission:

Labcorp Genetics (formerly Invitae), Labcorp
Classification: Uncertain significance for Dyskeratosis congenita, autosomal recessive 6; Pulmonary fibrosis and/or bone marrow failure, Telomere-related, 4. Last evaluated: 2021-07-02. Review status: criteria provided, single submitter. Criteria: Invitae Variant Classification Sherloc (09022015). Collection method: clinical testing. Allele origin: germline.
Comment: This variant has not been reported in the literature in individuals with PARN-related conditions. Algorithms developed to predict the effect of missense changes on protein structure and function are either unavailable or do not agree on the potential impact of this missense change (SIFT: "Deleterious"; PolyPhen-2: "Benign"; Align-GVGD: "Class C0"). Algorithms developed to predict the effect of sequence changes on RNA splicing suggest that this variant may create or strengthen a splice site, but this prediction has not been confirmed by published transcriptional studies. In summary, the available evidence is currently insufficient to determine the role of this variant in disease. Therefore, it has been classified as a Variant of Uncertain Significance. This variant is not present in population databases (ExAC no frequency). This sequence change replaces glutamic acid with valine at codon 617 of the PARN protein (p.Glu617Val). The glutamic acid residue is moderately conserved and there is a moderate physicochemical difference between glutamic acid and valine.